The following is an entry in ClinVar:

NM_000264.5(PTCH1):c.2107G>T (p.Glu703Ter)

Genes: PTCH1 (patched 1; minus strand), LOC100507346 (uncharacterized LOC100507346; plus strand). Cytogenetic location: 9q22.32.
Variant type: single nucleotide variant.
Coding change: c.2107G>T on transcript NM_000264.5 (MANE Select); coding-DNA position 2107, G replaced by T.
Protein change: p.Glu703Ter; replaces glutamic acid 703 with a stop codon.
Molecular consequence: nonsense. On other transcripts: non-coding transcript variant (2).
Genome position (GRCh38, 1-based): chr9:95,468,894, C>A on the plus strand (G>T on the coding strand, the complement: PTCH1 is on the minus strand). VCF-style: chr9-95468894-C-A. GRCh37 (hg19) VCF-style: chr9-98231176-C-A.
Other names: c.1909G>T, p.Glu637Ter (NM_001083602.3); c.2104G>T, p.Glu702Ter (NM_001083603.3); c.1654G>T, p.Glu552Ter (NM_001083604.3, NM_001083605.3, NM_001083606.3 and 1 more transcripts); c.1951G>T, p.Glu651Ter (NM_001354918.2); short protein forms E552*, E637*, E651*, E702*, E703*.
Identifiers: ClinVar variation 1074759 (VCV001074759.7), dbSNP rs2118037130, ClinGen allele CA374115643.

ClinVar aggregate classification (germline): Pathogenic (1 of 4 stars; one submission).

Conditions:
Gorlin syndrome. Also called: Basal cell nevus syndrome; Nevoid Basal Cell Carcinoma Syndrome. Identifiers: Orphanet 377, MedGen C0004779, MONDO:0007187.

Submission:

Labcorp Genetics (formerly Invitae), Labcorp
Classification: Pathogenic for Gorlin syndrome. Last evaluated: 2020-11-15. Review status: criteria provided, single submitter. Criteria: Invitae Variant Classification Sherloc (09022015). Collection method: clinical testing. Allele origin: germline.
Comment: This variant is not present in population databases (ExAC no frequency). This sequence change creates a premature translational stop signal (p.Glu703*) in the PTCH1 gene. It is expected to result in an absent or disrupted protein product. Loss-of-function variants in PTCH1 are known to be pathogenic (PMID: 16301862, 16419085). This variant has not been reported in the literature in individuals with PTCH1-related conditions. For these reasons, this variant has been classified as Pathogenic.

Literature cited by the submitters: PubMed 16301862; PubMed 16419085.